The following is an entry in ClinVar:

NM_001103146.3(GIGYF2):c.2173C>G (p.Gln725Glu)

Gene: GIGYF2 (GRB10 interacting GYF protein 2; plus strand). Cytogenetic location: 2q37.1.
Variant type: single nucleotide variant.
Coding change: c.2173C>G on transcript NM_001103146.3 (MANE Select); coding-DNA position 2173, C replaced by G.
Protein change: p.Gln725Glu; replaces glutamine 725 with glutamic acid.
Molecular consequence: missense variant. On other transcripts: non-coding transcript variant (1).
Genome position (GRCh38, 1-based): chr2:232,815,702, C>G. VCF-style: chr2-232815702-C-G. GRCh37 (hg19) VCF-style: chr2-233680412-C-G.
Other names: c.2236C>G, p.Gln746Glu (NM_001103147.2); c.2155C>G, p.Gln719Glu (NM_001103148.2); c.2173C>G, p.Gln725Glu (NM_015575.4); short protein forms Q719E, Q725E, Q746E.
Identifiers: ClinVar variation 3355808 (VCV003355808.1).

ClinVar aggregate classification (germline): Uncertain significance (0 of 4 stars; one submission).

Conditions:
GIGYF2-related disorder. Also called: GIGYF2-related condition.

Submission:

PreventionGenetics, part of Exact Sciences
Classification: Uncertain significance for GIGYF2-related condition. Last evaluated: 2024-03-25. Review status: no assertion criteria provided. Collection method: clinical testing. Allele origin: germline.
Comment: The GIGYF2 c.2173C>G variant is predicted to result in the amino acid substitution p.Gln725Glu. To our knowledge, this variant has not been reported in the literature. This variant is reported in 0.00088% of alleles in individuals of European (Non-Finnish) descent in gnomAD. At this time, the clinical significance of this variant is uncertain due to the absence of conclusive functional and genetic evidence.